The following is an entry in ClinVar:

NM_001394998.1(TANC2):c.3445G>A (p.Val1149Met)

Genes: TANC2 (tetratricopeptide repeat, ankyrin repeat and coiled-coil containing 2; plus strand), LOC105371856 (uncharacterized LOC105371856; minus strand). Cytogenetic location: 17q23.3.
Variant type: single nucleotide variant.
Coding change: c.3445G>A on transcript NM_001394998.1 (MANE Select); coding-DNA position 3445, G replaced by A.
Protein change: p.Val1149Met; replaces valine 1149 with methionine.
Molecular consequence: missense variant.
Genome position (GRCh38, 1-based): chr17:63,405,235, G>A. VCF-style: chr17-63405235-G-A. GRCh37 (hg19) VCF-style: chr17-61482596-G-A.
Other names: c.3223G>A, p.Val1075Met (NM_001411076.1, NM_025185.4); short protein forms V1075M, V1149M.
Identifiers: ClinVar variation 4976324 (VCV004976324.1).

ClinVar aggregate classification (germline): Uncertain significance (1 of 4 stars; one submission).

Submission:

GeneDx
Classification: Uncertain significance. Last evaluated: 2026-02-06. Review status: criteria provided, single submitter. Criteria: GeneDx Variant Classification Process June 2021. Collection method: clinical testing. Allele origin: germline.
Comment: Not observed at significant frequency in large population cohorts (gnomAD); In silico analysis suggests that this missense variant does not alter protein structure/function; Has not been previously published as pathogenic or benign to our knowledge